The following is an entry in ClinVar:

ClinVar aggregate classification (germline): Uncertain significance (0 of 4 stars; one submission).

Conditions:
IFT74-related disorder. Also called: IFT74-related condition; IFT74-Related Disorders.

gnomAD v4.1: 3 of 1,585,900 alleles (0.00019%); highest among the groups gnomAD compares: Admixed American, 0.0018%; no homozygotes.

Submission:

PreventionGenetics, part of Exact Sciences
Classification: Uncertain significance for IFT74-related condition. Last evaluated: 2024-03-25. Review status: no assertion criteria provided. Collection method: clinical testing. Allele origin: germline.
Comment: The IFT74 c.975G>C variant is predicted to result in the amino acid substitution p.Gln325His. To our knowledge, this variant has not been reported in the literature. This variant is reported in 0.0033% of alleles in individuals of Latino descent in gnomAD. At this time, the clinical significance of this variant is uncertain due to the absence of conclusive functional and genetic evidence.

NM_025103.4(IFT74):c.975G>C (p.Gln325His)

Gene: IFT74 (intraflagellar transport 74; plus strand). Cytogenetic location: 9p21.2.
Variant type: single nucleotide variant.
Coding change: c.975G>C on transcript NM_025103.4 (MANE Select); coding-DNA position 975, G replaced by C.
Protein change: p.Gln325His; replaces glutamine 325 with histidine.
Molecular consequence: missense variant.
Genome position (GRCh38, 1-based): chr9:27,029,025, G>C. VCF-style: chr9-27029025-G-C. GRCh37 (hg19) VCF-style: chr9-27029023-G-C.
Other names: c.975G>C, p.Gln325His (NM_001099222.3, NM_001099223.3, NM_001099224.3 and 1 more transcripts); short protein forms Q325H.
Identifiers: ClinVar variation 3357210 (VCV003357210.1).